The following is an entry in ClinVar:

NM_000238.4(KCNH2):c.1155G>A (p.Leu385=)

Gene: KCNH2 (potassium voltage-gated channel subfamily H member 2; minus strand). Cytogenetic location: 7q36.1.
Variant type: single nucleotide variant.
Coding change: c.1155G>A on transcript NM_000238.4 (MANE Select); coding-DNA position 1155, G replaced by A.
Protein change: p.Leu385=; no amino-acid change (leucine 385 retained).
Molecular consequence: synonymous variant. On other transcripts: non-coding transcript variant (2).
Genome position (GRCh38, 1-based): chr7:150,952,827, C>T on the plus strand (G>A on the coding strand, the complement: KCNH2 is on the minus strand). VCF-style: chr7-150952827-C-T. GRCh37 (hg19) VCF-style: chr7-150649915-C-T.
Other names: c.135G>A, p.Leu45= (NM_001204798.2, NM_172057.3); c.867G>A, p.Leu289= (NM_001406753.1, NM_001406756.1); c.978G>A, p.Leu326= (NM_001406755.1); c.855G>A, p.Leu285= (NM_001406757.1); c.1155G>A, p.Leu385= (NM_172056.3).
Identifiers: ClinVar variation 2096192 (VCV002096192.6), dbSNP rs772410175, ClinGen allele CA027252.

ClinVar aggregate classification (germline): Likely benign. Review status: criteria provided, multiple submitters, no conflicts (2 of 4 stars). 3 submissions from 3 submitters: Likely benign (3). Last evaluated 2025-07-30.

Conditions:
Long QT syndrome (LQTS). Identifiers: MedGen C0023976, MeSH D008133, MONDO:0002442. Disease mechanism: loss of function. Inheritance: Various modes of inheritance.
Cardiovascular phenotype. Identifiers: MedGen CN230736.

Allele frequency attached by ClinVar (database versions not stated): gnomAD exomes 0.00001; ExAC 0.00003.
gnomAD v4.1: 5 of 1,613,902 alleles (0.00031%); highest among the groups gnomAD compares: Non-Finnish European, 0.00042%; no homozygotes.

Submissions (3):

Labcorp Genetics (formerly Invitae), Labcorp
Classification: Likely benign for Long QT syndrome. Last evaluated: 2025-07-30. Review status: criteria provided, single submitter. Criteria: Invitae Variant Classification Sherloc (09022015). Collection method: clinical testing. Allele origin: germline.

All of Us Research Program, National Institutes of Health
Classification: Likely benign for Long QT syndrome. Last evaluated: 2024-05-14. Review status: criteria provided, single submitter. Criteria: ACMG Guidelines, 2015. Collection method: clinical testing. Allele origin: germline. Inheritance: Autosomal dominant inheritance. Observed: 1 variant allele, 1 heterozygote.
Comment: This study involves interpretation of variants in research participants for the purpose of population health screening. Participant phenotype was not available at the time of variant classification. Additional details can be found in publication PMID: 35346344, PMCID: PMC8962531

Ambry Genetics
Classification: Likely benign for Cardiovascular phenotype. Last evaluated: 2023-12-10. Review status: criteria provided, single submitter. Criteria: Ambry Variant Classification Scheme 2023. Collection method: clinical testing. Allele origin: germline.